The following is an entry in ClinVar:

ClinVar aggregate classification (germline): Uncertain significance. Review status: criteria provided, multiple submitters, no conflicts (2 of 4 stars). 4 submissions from 4 submitters: Uncertain significance (3). 1 of the submissions does not count toward it. Last evaluated 2025-10-18.

Conditions:
Familial cancer of breast. Also called: BREAST CANCER, FAMILIAL; Hereditary breast cancer; hereditary breast carcinoma. Identifiers: Orphanet 227535, MedGen C0346153, MONDO:0016419, OMIM 114480. Disease mechanism: loss of function.
CHEK2-related disorder.
Hereditary cancer-predisposing syndrome. Also called: Neoplastic Syndromes, Hereditary; Tumor predisposition; Hereditary Cancer Syndrome; Hereditary neoplastic syndrome. Identifiers: Orphanet 140162, MedGen C0027672, MeSH D009386, MONDO:0015356.

Allele frequency attached by ClinVar (database versions not stated): gnomAD exomes below 0.00001; TOPMed below 0.00001; ExAC 0.00001.
gnomAD v4.1: 1 of 1,614,036 alleles (0.000062%); highest among the groups gnomAD compares: South Asian, 0.0011%; no homozygotes.

Submissions (4):

Labcorp Genetics (formerly Invitae), Labcorp
Classification: Uncertain significance for Familial cancer of breast. Last evaluated: 2025-10-18. Review status: criteria provided, single submitter. Criteria: Invitae Variant Classification Sherloc (09022015). Collection method: clinical testing. Allele origin: germline.
Comment: This sequence change replaces glutamine, which is neutral and polar, with histidine, which is basic and polar, at codon 69 of the CHEK2 protein (p.Gln69His). This variant is present in population databases (rs762760523, gnomAD 0.003%). This variant has not been reported in the literature in individuals affected with CHEK2-related conditions. ClinVar contains an entry for this variant (Variation ID: 820670). An algorithm developed to predict the effect of missense changes on protein structure and function (PolyPhen-2) suggests that this variant is likely to be disruptive. In summary, the available evidence is currently insufficient to determine the role of this variant in disease. Therefore, it has been classified as a Variant of Uncertain Significance.

Women's Health and Genetics/Laboratory Corporation of America, LabCorp
Classification: Uncertain significance. Last evaluated: 2024-12-02. Review status: criteria provided, single submitter. Criteria: LabCorp Variant Classification Summary - May 2015. Collection method: clinical testing. Allele origin: germline.
Comment: Variant summary: CHEK2 c.207G>C (p.Gln69His) results in a non-conservative amino acid change in the encoded protein sequence. Five of five in-silico tools predict a damaging effect of the variant on protein function. The variant allele was found at a frequency of 4e-06 in 251474 control chromosomes. The available data on variant occurrences in the general population are insufficient to allow any conclusion about variant significance. To our knowledge, no occurrence of c.207G>C in individuals affected with Hereditary Breast And Ovarian Cancer Syndrome and no experimental evidence demonstrating its impact on protein function have been reported. ClinVar contains an entry for this variant (Variation ID: 820670). Based on the evidence outlined above, the variant was classified as uncertain significance.

Ambry Genetics
Classification: Uncertain significance for Hereditary cancer-predisposing syndrome. Last evaluated: 2018-08-17. Review status: criteria provided, single submitter. Criteria: Ambry Variant Classification Scheme 2023. Collection method: clinical testing. Allele origin: germline.
Comment: The p.Q69H variant (also known as c.207G>C), located in coding exon 1 of the CHEK2 gene, results from a G to C substitution at nucleotide position 207. The glutamine at codon 69 is replaced by histidine, an amino acid with highly similar properties. This amino acid position is highly conserved in available vertebrate species. In addition, the in silico prediction for this alteration is inconclusive. Since supporting evidence is limited at this time, the clinical significance of this alteration remains unclear.

PreventionGenetics, part of Exact Sciences
Classification: Uncertain significance for CHEK2-related condition. Last evaluated: 2024-03-21. Review status: no assertion criteria provided. Collection method: clinical testing. Allele origin: germline. Not counted in ClinVar's aggregate classification.
Comment: The CHEK2 c.207G>C variant is predicted to result in the amino acid substitution p.Gln69His. To our knowledge, this variant has not been reported in the literature. This variant is reported in 0.0033% of alleles in individuals of South Asian descent in gnomAD. At this time, the clinical significance of this variant is uncertain due to the absence of conclusive functional and genetic evidence.

NM_007194.4(CHEK2):c.207G>C (p.Gln69His)

Gene: CHEK2 (checkpoint kinase 2; minus strand). Cytogenetic location: 22q12.1.
Variant type: single nucleotide variant.
Coding change: c.207G>C on transcript NM_007194.4 (MANE Select); coding-DNA position 207, G replaced by C.
Protein change: p.Gln69His; replaces glutamine 69 with histidine.
Molecular consequence: missense variant.
Genome position (GRCh38, 1-based): chr22:28,734,515, C>G on the plus strand (G>C on the coding strand, the complement: CHEK2 is on the minus strand). VCF-style: chr22-28734515-C-G. GRCh37 (hg19) VCF-style: chr22-29130503-C-G.
Other names: c.207G>C, p.Gln69His (NM_001005735.3, NM_001349956.3, NM_145862.3); c.-571G>C (NM_001257387.3); short protein forms Q69H.
Identifiers: ClinVar variation 820670 (VCV000820670.17), dbSNP rs762760523, ClinGen allele CA10168060.